The following is an entry in ClinVar:

ClinVar aggregate classification (germline): Uncertain significance. Review status: criteria provided, multiple submitters, no conflicts (2 of 4 stars). 2 submissions from 2 submitters: Uncertain significance (2). Last evaluated 2025-06-18.

Conditions:
Inborn genetic diseases. Identifiers: MedGen C0950123, MeSH D030342.

Allele frequency attached by ClinVar (database versions not stated): gnomAD exomes below 0.00001; TOPMed below 0.00001; ExAC 0.00001.
gnomAD v4.1: 4 of 1,614,080 alleles (0.00025%); highest among the groups gnomAD compares: East Asian, 0.0067%; no homozygotes.

Submissions (2):

Ambry Genetics
Classification: Uncertain significance for Inborn genetic diseases. Last evaluated: 2025-06-18. Review status: criteria provided, single submitter. Criteria: Ambry Variant Classification Scheme 2023. Collection method: clinical testing. Allele origin: germline.

Labcorp Genetics (formerly Invitae), Labcorp
Classification: Uncertain significance. Last evaluated: 2023-10-30. Review status: criteria provided, single submitter. Criteria: Invitae Variant Classification Sherloc (09022015). Collection method: clinical testing. Allele origin: germline.
Comment: This sequence change replaces isoleucine, which is neutral and non-polar, with threonine, which is neutral and polar, at codon 597 of the MYO3A protein (p.Ile597Thr). This variant is present in population databases (rs768187297, gnomAD 0.02%). This variant has not been reported in the literature in individuals affected with MYO3A-related conditions. Advanced modeling of protein sequence and biophysical properties (such as structural, functional, and spatial information, amino acid conservation, physicochemical variation, residue mobility, and thermodynamic stability) performed at Invitae indicates that this missense variant is not expected to disrupt MYO3A protein function with a negative predictive value of 80%. In summary, the available evidence is currently insufficient to determine the role of this variant in disease. Therefore, it has been classified as a Variant of Uncertain Significance.

NM_017433.5(MYO3A):c.1790T>C (p.Ile597Thr)

Gene: MYO3A (myosin IIIA; plus strand). Cytogenetic location: 10p12.1.
Variant type: single nucleotide variant.
Coding change: c.1790T>C on transcript NM_017433.5 (MANE Select); coding-DNA position 1790, T replaced by C.
Protein change: p.Ile597Thr; replaces isoleucine 597 with threonine.
Molecular consequence: missense variant.
Genome position (GRCh38, 1-based): chr10:26,120,689, T>C. VCF-style: chr10-26120689-T-C. GRCh37 (hg19) VCF-style: chr10-26409618-T-C.
Other names: c.1790T>C (NM_017433.4); short protein forms I597T.
Identifiers: ClinVar variation 2777732 (VCV002777732.4), dbSNP rs768187297, ClinGen allele CA5444779.